The following is an entry in ClinVar:

NM_006883.2(SHOX):c.653G>A (p.Arg218His)

Gene: SHOX (SHOX homeobox; plus strand). Cytogenetic location: Xp22.33.
Variant type: single nucleotide variant.
Coding change: c.653G>A on transcript NM_006883.2; coding-DNA position 653, G replaced by A.
Protein change: p.Arg218His; replaces arginine 218 with histidine.
Molecular consequence: missense variant.
Genome position (GRCh38, 1-based): chrX:658,804, G>A. VCF-style: chrX-658804-G-A. GRCh37 (hg19) VCF-style: chrX-619539-G-A.
Other names: short protein forms R218H.
Identifiers: ClinVar variation 448376 (VCV000448376.32), dbSNP rs193072890, ClinGen allele CA10330190.
Genomic context (GRCh38, chrX:658,804, plus strand): 5'-ACAGGCGTGAGCCACTGCACTTGGCCTTTTTTTTTTTTTAGATGGAGTTTTGCTCTTGTC[G>A]CCCGGGCTGGAGTATAATGGCATGATCTCGACTCACTGCAACCTCCGCCTCCCGAGTTCA-3'

ClinVar aggregate classification (germline): Conflicting classifications of pathogenicity. Review status: criteria provided, conflicting classifications (1 of 4 stars). 5 submissions from 5 submitters: Uncertain significance (1); Benign (3). 1 of the submissions does not count toward it. Last evaluated 2025-08-08.

Conditions:
SHOX-related disorder. Also called: SHOX-related condition.

Allele frequency attached by ClinVar (database versions not stated): gnomAD exomes 0.00129 and 0.00101; 1000 Genomes Project 0.01007; TOPMed 0.01342; gnomAD 0.01206 and 0.01306; ExAC 0.00051; 1000 Genomes Project 30x 0.01061.
gnomAD v4.1: 1,860 of 375,812 alleles (0.49%); highest among the groups gnomAD compares: African/African-American, 4%; 27 homozygotes.

Submissions (5):

Athena Diagnostics
Classification: Benign. Last evaluated: 2025-08-08. Review status: criteria provided, single submitter. Criteria: Athena Diagnostics Criteria. Collection method: clinical testing. Allele origin: unknown.
Comment: The frequency of this variant in the general population is higher than would generally be expected for pathogenic variants in this gene.

CeGaT Center for Human Genetics Tuebingen
Classification: Benign. Last evaluated: 2022-12-01. Review status: criteria provided, single submitter. Criteria: CeGaT Center For Human Genetics Tuebingen Variant Classification Criteria Version 2. Collection method: clinical testing. Allele origin: germline. Affected: yes. Observed: 1 variant allele.
Comment: SHOX: BS1, BS2

Mendelics
Classification: Uncertain significance. Last evaluated: 2022-05-04. Review status: criteria provided, single submitter. Criteria: Mendelics Assertion Criteria 2019. Collection method: clinical testing. Allele origin: germline.

ARUP Laboratories, Molecular Genetics and Genomics, ARUP Laboratories
Classification: Benign. Last evaluated: 2021-08-17. Review status: criteria provided, single submitter. Criteria: ARUP Molecular Germline Variant Investigation Process 2021. Collection method: clinical testing. Allele origin: germline.

PreventionGenetics, part of Exact Sciences
Classification: Benign for SHOX-related condition. Last evaluated: 2019-02-20. Review status: no assertion criteria provided. Collection method: clinical testing. Allele origin: germline. Not counted in ClinVar's aggregate classification.
Comment: This variant is classified as benign based on ACMG/AMP sequence variant interpretation guidelines (Richards et al. 2015 PMID: 25741868, with internal and published modifications).